The following is an entry in ClinVar:

NM_001354604.2(MITF):c.1348C>G (p.Leu450Val)

Gene: MITF (melanocyte inducing transcription factor; plus strand). Cytogenetic location: 3p13.
Variant type: single nucleotide variant.
Coding change: c.1348C>G on transcript NM_001354604.2 (MANE Select); coding-DNA position 1348, C replaced by G.
Protein change: p.Leu450Val; replaces leucine 450 with valine.
Molecular consequence: missense variant.
Genome position (GRCh38, 1-based): chr3:69,965,015, C>G. VCF-style: chr3-69965015-C-G. GRCh37 (hg19) VCF-style: chr3-70014166-C-G.
Other names: c.1027C>G, p.Leu343Val (NM_000248.4); c.1174C>G, p.Leu392Val (NM_001184967.2, NM_001354608.2); c.1345C>G, p.Leu449Val (NM_001354605.2); c.1327C>G, p.Leu443Val (NM_001354606.2, NM_006722.3); c.1279C>G, p.Leu427Val (NM_001354607.2); c.1009C>G, p.Leu337Val (NM_198158.3); c.1330C>G, p.Leu444Val (NM_198159.3); c.1282C>G, p.Leu428Val (NM_198177.3); and 1 more; short protein forms L281V, L337V, L343V, L392V, L427V, L428V, L443V, L444V.
Identifiers: ClinVar variation 3750848 (VCV003750848.3).

ClinVar aggregate classification (germline): Uncertain significance. Review status: criteria provided, multiple submitters, no conflicts (2 of 4 stars). 2 submissions from 2 submitters: Uncertain significance (2). Last evaluated 2026-02-27.

Conditions:
Melanoma, cutaneous malignant, susceptibility to, 8. Also called: MELANOMA AND RENAL CELL CARCINOMA, SUSCEPTIBILITY TO; Cutaneous malignant melanoma 8. Identifiers: Orphanet 293822, MedGen C3152204, MONDO:0013759, OMIM 614456.
Tietz syndrome (TADS). Also called: ALBINISM-DEAFNESS OF TIETZ; HYPOPIGMENTATION/DEAFNESS OF TIETZ; TIETZ ALBINISM-DEAFNESS SYNDROME. Identifiers: Orphanet 42665, MedGen C0391816, MONDO:0007077, OMIM 103500.
Waardenburg syndrome type 2A (WS2A). Also called: WAARDENBURG SYNDROME WITHOUT DYSTOPIA CANTHORUM. Identifiers: Orphanet 3440, MedGen C1860339, MONDO:0008671, OMIM 193510.

gnomAD v4.1: 14 of 1,614,158 alleles (0.00087%); highest among the groups gnomAD compares: Non-Finnish European, 0.0011%; no homozygotes.

Submissions (2):

GeneDx
Classification: Uncertain significance. Last evaluated: 2026-02-27. Review status: criteria provided, single submitter. Criteria: GeneDx Variant Classification Process June 2021. Collection method: clinical testing. Allele origin: germline.
Comment: Not observed at significant frequency in large population cohorts (gnomAD); In silico analysis suggests that this missense variant does not alter protein structure/function; Has not been previously published as pathogenic or benign to our knowledge

Labcorp Genetics (formerly Invitae), Labcorp
Classification: Uncertain significance for Melanoma, cutaneous malignant, susceptibility to, 8; Waardenburg syndrome type 2A; Tietz syndrome. Last evaluated: 2024-06-24. Review status: criteria provided, single submitter. Criteria: Invitae Variant Classification Sherloc (09022015). Collection method: clinical testing. Allele origin: germline.
Comment: This sequence change replaces leucine, which is neutral and non-polar, with valine, which is neutral and non-polar, at codon 343 of the MITF protein (p.Leu343Val). This variant is not present in population databases (gnomAD no frequency). This variant has not been reported in the literature in individuals affected with MITF-related conditions. Advanced modeling of protein sequence and biophysical properties (such as structural, functional, and spatial information, amino acid conservation, physicochemical variation, residue mobility, and thermodynamic stability) performed at Invitae indicates that this missense variant is not expected to disrupt MITF protein function with a negative predictive value of 80%. In summary, the available evidence is currently insufficient to determine the role of this variant in disease. Therefore, it has been classified as a Variant of Uncertain Significance.